The following is an entry in ClinVar:

NM_001848.3(COL6A1):c.2610C>T (p.Asp870=)

Gene: COL6A1 (collagen type VI alpha 1 chain; plus strand). Cytogenetic location: 21q22.3.
Variant type: single nucleotide variant.
Coding change: c.2610C>T on transcript NM_001848.3 (MANE Select); coding-DNA position 2610, C replaced by T.
Protein change: p.Asp870=; no amino-acid change (aspartic acid 870 retained).
Molecular consequence: synonymous variant.
Genome position (GRCh38, 1-based): chr21:46,003,536, C>T. VCF-style: chr21-46003536-C-T. GRCh37 (hg19) VCF-style: chr21-47423450-C-T.
Identifiers: ClinVar variation 288078 (VCV000288078.32), dbSNP rs759989949, ClinGen allele CA10070979.

ClinVar aggregate classification (germline): Conflicting classifications of pathogenicity. Review status: criteria provided, conflicting classifications (1 of 4 stars). 3 submissions from 3 submitters: Uncertain significance (1); Likely benign (2). Last evaluated 2026-07-01.

Conditions:
Bethlem myopathy 1A. Also called: Bethlem myopathy 1; Bethlem Muscular Dystrophy; MYOPATHY, BENIGN CONGENITAL, WITH CONTRACTURES. Identifiers: Orphanet 610, MedGen CN029274, MONDO:0024530, OMIM 158810.

Allele frequency attached by ClinVar (database versions not stated): ExAC 0.00004; gnomAD exomes 0.00004; TOPMed 0.00008.
gnomAD v4.1: 106 of 1,611,944 alleles (0.0066%); highest among the groups gnomAD compares: African/African-American, 0.02%; 1 homozygote.

Submissions (3):

CeGaT Center for Human Genetics Tuebingen
Classification: Likely benign. Last evaluated: 2026-07-01. Review status: criteria provided, single submitter. Criteria: CeGaT Center For Human Genetics Tuebingen Variant Classification Criteria Version 2. Collection method: clinical testing. Allele origin: germline. Affected: yes. Observed: 2 variant alleles.
Comment: COL6A1: BP4, BP7

Labcorp Genetics (formerly Invitae), Labcorp
Classification: Likely benign for Bethlem myopathy 1A. Last evaluated: 2026-02-02. Review status: criteria provided, single submitter. Criteria: Invitae Variant Classification Sherloc (09022015). Collection method: clinical testing. Allele origin: germline.

Eurofins Ntd Llc (ga)
Classification: Uncertain significance. Last evaluated: 2016-05-12. Review status: criteria provided, single submitter. Criteria: EGL Classification Definitions 2015. Collection method: clinical testing. Allele origin: germline. Observed: 1 variant allele, 1 heterozygote.